The following is an entry in ClinVar:

NM_001376.5(DYNC1H1):c.12257C>T (p.Thr4086Ile)

Gene: DYNC1H1 (dynein cytoplasmic 1 heavy chain 1; plus strand). Cytogenetic location: 14q32.31.
Variant type: single nucleotide variant.
Coding change: c.12257C>T on transcript NM_001376.5 (MANE Select); coding-DNA position 12257, C replaced by T.
Protein change: p.Thr4086Ile; replaces threonine 4086 with isoleucine.
Molecular consequence: missense variant.
Genome position (GRCh38, 1-based): chr14:102,042,270, C>T. VCF-style: chr14-102042270-C-T. GRCh37 (hg19) VCF-style: chr14-102508607-C-T.
Other names: short protein forms T4086I.
Identifiers: ClinVar variation 2102778 (VCV002102778.4), dbSNP rs2503858407, ClinGen allele CA391040345.

ClinVar aggregate classification (germline): Uncertain significance (1 of 4 stars; one submission).

Conditions:
Charcot-Marie-Tooth disease axonal type 2O. Also called: CHARCOT-MARIE-TOOTH NEUROPATHY, AXONAL, TYPE 2O; CHARCOT-MARIE-TOOTH DISEASE, AXONAL, AUTOSOMAL DOMINANT, TYPE 2O; Charcot-Marie-Tooth Neuropathy Type 2O; Charcot-Marie-Tooth disease, axonal, type 20. Identifiers: Orphanet 284232, MedGen C3280220, MONDO:0013644, OMIM 614228.

Submission:

Labcorp Genetics (formerly Invitae), Labcorp
Classification: Uncertain significance for Charcot-Marie-Tooth disease axonal type 2O. Last evaluated: 2022-03-13. Review status: criteria provided, single submitter. Criteria: Invitae Variant Classification Sherloc (09022015). Collection method: clinical testing. Allele origin: germline.
Comment: This sequence change replaces threonine, which is neutral and polar, with isoleucine, which is neutral and non-polar, at codon 4086 of the DYNC1H1 protein (p.Thr4086Ile). This variant is not present in population databases (gnomAD no frequency). This variant has not been reported in the literature in individuals affected with DYNC1H1-related conditions. Advanced modeling of protein sequence and biophysical properties (such as structural, functional, and spatial information, amino acid conservation, physicochemical variation, residue mobility, and thermodynamic stability) performed at Invitae indicates that this missense variant is not expected to disrupt DYNC1H1 protein function. In summary, the available evidence is currently insufficient to determine the role of this variant in disease. Therefore, it has been classified as a Variant of Uncertain Significance.